The following is an entry in ClinVar:

ClinVar aggregate classification (germline): Uncertain significance (1 of 4 stars; one submission).

Conditions:
Hypercholesterolemia, autosomal dominant, 3 (FHCL3). Also called: Familial Hypercholesterolemia, Autosomal Dominant, 3; PCSK9-Related Familial Hypercholesterolemia, Autosomal Dominant; Familial hypercholesterolemia 3. Identifiers: MedGen C1863551, MONDO:0011369, OMIM 603776.

Submission:

All of Us Research Program, National Institutes of Health
Classification: Uncertain significance for Hypercholesterolemia, autosomal dominant, 3. Last evaluated: 2023-06-26. Review status: criteria provided, single submitter. Criteria: ACMG Guidelines, 2015. Collection method: clinical testing. Allele origin: germline. Inheritance: Autosomal dominant inheritance. Observed: 1 variant allele, 1 heterozygote.
Comment: This missense variant replaces leucine with methionine at codon 440 of the PCSK9 protein. Computational prediction suggests that this variant may not impact protein structure and function (internally defined REVEL score threshold <= 0.5, PMID: 27666373). To our knowledge, functional studies have not been reported for this variant. This variant has not been reported in individuals affected with PCSK9-related disorders in the literature. This variant has not been identified in the general population by the Genome Aggregation Database (gnomAD). The available evidence is insufficient to determine the role of this variant in disease conclusively. Therefore, this variant is classified as a Variant of Uncertain Significance.

This study involves interpretation of variants in research participants for the purpose of population health screening. Participant phenotype was not available at the time of variant classification. Additional details can be found in publication PMID: 35346344, PMCID: PMC8962531

NM_174936.4(PCSK9):c.1318C>A (p.Leu440Met)

Gene: PCSK9 (proprotein convertase subtilisin/kexin type 9; plus strand). Cytogenetic location: 1p32.3.
Variant type: single nucleotide variant.
Coding change: c.1318C>A on transcript NM_174936.4 (MANE Select); coding-DNA position 1318, C replaced by A.
Protein change: p.Leu440Met; replaces leucine 440 with methionine.
Molecular consequence: missense variant. On other transcripts: non-coding transcript variant (5), intron variant (2).
Genome position (GRCh38, 1-based): chr1:55,058,173, C>A. VCF-style: chr1-55058173-C-A. GRCh37 (hg19) VCF-style: chr1-55523846-C-A.
Other names: c.1441C>A, p.Leu481Met (NM_001407240.1); c.1318C>A, p.Leu440Met (NM_001407241.1); c.1321C>A, p.Leu441Met (NM_001407242.1); c.1261C>A, p.Leu421Met (NM_001407243.1); c.1126C>A, p.Leu376Met (NM_001407245.1); c.943C>A, p.Leu315Met (NM_001407246.1); c.1181-326C>A (NM_001407244.1); c.1180+659C>A (NM_001407247.1); short protein forms L315M, L376M, L421M, L440M, L441M, L481M.
Identifiers: ClinVar variation 3072267 (VCV003072267.1), dbSNP rs2523260313, ClinGen allele CA340477533.
Genomic context (GRCh38, chr1:55,058,173, plus strand): 5'-GCCAAAGATGTCATCAATGAGGCCTGGTTCCCTGAGGACCAGCGGGTACTGACCCCCAAC[C>A]TGGTGGCCGCCCTGCCCCCCAGCACCCATGGGGCAGGTAAGCAGGATGGCAGGGTGGGCA-3'
Protein context (NP_777596.2, residues 430-450): PEDQRVLTPN[Leu440Met]VAALPPSTHG